The following is an entry in ClinVar:

ClinVar aggregate classification (germline): Benign (3 of 4 stars; one submission).

Conditions:
Breast-ovarian cancer, familial, susceptibility to, 1 (BROVCA1). Also called: BRCA1 Hereditary Breast and Ovarian Cancer; OVARIAN CANCER, SUSCEPTIBILITY TO. Identifiers: Orphanet 145, MedGen C2676676, MONDO:0011450, OMIM 604370. Disease mechanism: loss of function.

Allele frequency attached by ClinVar (database versions not stated): gnomAD 0.01419 and 0.01527; TOPMed 0.01628; 1000 Genomes Project 0.01558; 1000 Genomes Project 30x 0.01577.
gnomAD v4.1: 2,139 of 152,200 alleles (1.4%); highest among the groups gnomAD compares: African/African-American, 4.8%; 53 homozygotes.

Submission:

Evidence-based Network for the Interpretation of Germline Mutant Alleles (ENIGMA)
Classification: Benign for Breast-ovarian cancer, familial 1. Last evaluated: 2015-01-12. Review status: reviewed by expert panel. Criteria: ENIGMA BRCA1/2 Classification Criteria (2015). Collection method: curation. Allele origin: germline.
Comment: Class 1 not pathogenic based on frequency >1% in an outbred sampleset. Frequency 0.08333 (African), derived from 1000 genomes (2012-04-30).

NM_007294.4(BRCA1):c.5075-1546A>G

Gene: BRCA1 (BRCA1 DNA repair associated; minus strand). Cytogenetic location: 17q21.31.
Variant type: single nucleotide variant.
Coding change: c.5075-1546A>G on transcript NM_007294.4 (MANE Select); 1546 bases into the intron before coding-DNA position 5075, A replaced by G.
Molecular consequence: intron variant.
Genome position (GRCh38, 1-based): chr17:43,065,497, T>C on the plus strand (A>G on the coding strand, the complement: BRCA1 is on the minus strand). VCF-style: chr17-43065497-T-C. GRCh37 (hg19) VCF-style: chr17-41217514-T-C.
Other names: IVS 17-1546A>G; c.1622-1546A>G (NM_001408458.1, NM_001408461.1, NM_001408464.1 and 7 more transcripts); c.4184-1546A>G (NM_001407967.1); c.4694-1546A>G (NM_001407959.1); c.4808-1546A>G (NM_001407931.1, NM_001407932.1, NM_001407928.1 and 4 more transcripts); c.4931-1546A>G (NM_001407747.1, NM_001407745.1, NM_001407737.1 and 21 more transcripts); c.4691-1546A>G (NM_001407962.1, NM_001407960.1); c.1262-1546A>G (NM_001408512.1); and 74 more.
Identifiers: ClinVar variation 209333 (VCV000209333.2), dbSNP rs8176244, ClinGen allele CA276305.
Genomic context (GRCh38, chr17:43,065,497, plus strand): 5'-GGTAGGTGGATCACCTGAGGTCGGGAGTCCAAGACCAGCCTGACTGACATGGAAAAACCC[T>C]GTCTCTACTAAAAATACAAAATTAGGTATGGTGGTGCATTCCTGTAATCCCAGCTACTCG-3'